The following is an entry in ClinVar:

NM_015335.5(MED13L):c.3921G>A (p.Trp1307Ter)

Gene: MED13L (mediator complex subunit 13L; minus strand). Cytogenetic location: 12q24.21.
Variant type: single nucleotide variant.
Coding change: c.3921G>A on transcript NM_015335.5 (MANE Select); coding-DNA position 3921, G replaced by A.
Protein change: p.Trp1307Ter; replaces tryptophan 1307 with a stop codon.
Molecular consequence: nonsense.
Genome position (GRCh38, 1-based): chr12:115,991,033, C>T on the plus strand (G>A on the coding strand, the complement: MED13L is on the minus strand). VCF-style: chr12-115991033-C-T. GRCh37 (hg19) VCF-style: chr12-116428838-C-T.
Other names: short protein forms W1307*.
Identifiers: ClinVar variation 4875136 (VCV004875136.2).

ClinVar aggregate classification (germline): Pathogenic (1 of 4 stars; one submission).

Submission:

CeGaT Center for Human Genetics Tuebingen
Classification: Pathogenic. Last evaluated: 2026-06-01. Review status: criteria provided, single submitter. Criteria: CeGaT Center For Human Genetics Tuebingen Variant Classification Criteria Version 2. Collection method: clinical testing. Allele origin: germline. Affected: yes. Observed: 1 variant allele.
Comment: MED13L: PVS1, PM2